The following is an entry in ClinVar:

ClinVar aggregate classification (germline): Conflicting classifications of pathogenicity. Review status: criteria provided, conflicting classifications (1 of 4 stars). 16 submissions from 16 submitters: Uncertain significance (10); Likely benign (3). 3 of the submissions do not count toward it. Last evaluated 2026-02-01.

Conditions:
ATM-related disorder. Also called: ATM-related disorders; ATM-related condition.
Breast and/or ovarian cancer. Identifiers: MedGen CN221562.
Hereditary cancer-predisposing syndrome. Also called: Neoplastic Syndromes, Hereditary; Tumor predisposition; Hereditary Cancer Syndrome; Hereditary neoplastic syndrome. Identifiers: Orphanet 140162, MedGen C0027672, MeSH D009386, MONDO:0015356.
Ataxia-telangiectasia syndrome (AT). Also called: LOUIS-BAR SYNDROME; Cerebello-oculocutaneous telangiectasia; Immunodeficiency with ataxia telangiectasia; Ataxia-telangiectasia, complementation group D; Ataxia-telangiectasia, complementation group E; Ataxia telangiectasia (A-T). Identifiers: Orphanet 100, MedGen C0004135, MONDO:0008840, OMIM 208900.
Familial cancer of breast. Also called: hereditary breast carcinoma; Hereditary breast cancer; BREAST CANCER, FAMILIAL. Identifiers: Orphanet 227535, MedGen C0346153, MONDO:0016419, OMIM 114480. Disease mechanism: loss of function.
Carcinoma of colon (CRC). Also called: Colon carcinoma; Colonic carcinoma. Identifiers: MedGen C0699790, MONDO:0002032.

Allele frequency attached by ClinVar (database versions not stated): ExAC 0.00002; gnomAD exomes 0.00003 and 0.00005; gnomAD 0.00004; TOPMed 0.00004.
gnomAD v4.1: 86 of 1,612,374 alleles (0.0053%); highest among the groups gnomAD compares: Non-Finnish European, 0.0068%; no homozygotes.

Submissions (16):

Labcorp Genetics (formerly Invitae), Labcorp
Classification: Uncertain significance for Ataxia-telangiectasia syndrome. Last evaluated: 2026-02-01. Review status: criteria provided, single submitter. Criteria: Invitae Variant Classification Sherloc (09022015). Collection method: clinical testing. Allele origin: germline.
Comment: This sequence change replaces isoleucine, which is neutral and non-polar, with valine, which is neutral and non-polar, at codon 68 of the ATM protein (p.Ile68Val). This variant is present in population databases (rs35389822, gnomAD 0.006%). This missense change has been observed in individual(s) with pancreatic or undefined cancer (PMID: 24416720, 28726808, 35047863). ClinVar contains an entry for this variant (Variation ID: 127344). Invitae Evidence Modeling of protein sequence and biophysical properties (such as structural, functional, and spatial information, amino acid conservation, physicochemical variation, residue mobility, and thermodynamic stability) indicates that this missense variant is not expected to disrupt ATM protein function with a negative predictive value of 95%. In summary, the available evidence is currently insufficient to determine the role of this variant in disease. Therefore, it has been classified as a Variant of Uncertain Significance.

PreventionGenetics, part of Exact Sciences
Classification: Uncertain significance for ATM-related condition. Last evaluated: 2026-01-13. Review status: criteria provided, single submitter. Criteria: ACMG Guidelines, 2015. Collection method: clinical testing. Allele origin: germline.
Comment: The ATM c.202A>G variant is predicted to result in the amino acid substitution p.Ile68Val. This variant has been reported in an individual with pancreatic cancer and in a individual with an unspecified cancer (Table S2, Chaffee et al. 2018. PubMed ID: 28726808; Petereit et al. 2013. PubMed ID: 24416720). It has also been reported in controls from two cancer cohort studies (Table S2, Renwick et al. 2006. PubMed ID: 16832357; Supplement, Pritchard et al. 2018. PubMed ID: 29641532). In the gnomAD public population database this variant has been reported in up to 0.0063% of alleles in a subpopulation and has conflicting interpretations regarding its pathogenicity in ClinVar ranging from uncertain significance to likely benign (Variation ID: 127344). At this time, the clinical significance of this variant is uncertain due to the absence of conclusive functional and genetic evidence.

Mayo Clinic Laboratories, Mayo Clinic
Classification: Uncertain significance. Last evaluated: 2025-12-05. Review status: criteria provided, single submitter. Criteria: ACMG Guidelines, 2015. Collection method: clinical testing. Allele origin: germline. Observed: 2 variant alleles.
Comment: BP4_moderate

Athena Diagnostics
Classification: Uncertain significance. Last evaluated: 2024-11-03. Review status: criteria provided, single submitter. Criteria: Athena Diagnostics Criteria. Collection method: clinical testing. Allele origin: unknown.
Comment: Available data are insufficient to determine the clinical significance of the variant at this time. The frequency of this variant in the general population is uninformative in assessment of its pathogenicity. Polyphen and MutationTaster predict this amino acid change may be benign.

Color Diagnostics, LLC DBA Color Health
Classification: Likely benign for Hereditary cancer-predisposing syndrome. Last evaluated: 2024-09-18. Review status: criteria provided, single submitter. Criteria: ACMG Guidelines, 2015. Collection method: clinical testing. Allele origin: germline.

GeneDx
Classification: Uncertain significance. Last evaluated: 2024-09-11. Review status: criteria provided, single submitter. Criteria: GeneDx Variant Classification Process June 2021. Collection method: clinical testing. Allele origin: germline. Affected: yes.
Comment: Observed in individuals with breast, pancreatic, or other cancers as well as in controls (PMID: 16832357, 19781682, 24416720, 28726808, 29641532, 35047863, 34326862); In silico analysis indicates that this missense variant does not alter protein structure/function; Not observed at significant frequency in large population cohorts (gnomAD); This variant is associated with the following publications: (PMID: 22529920, 24416720, 27720647, 19781682, 28726808, 16832357, 30851065, 29641532, 35047863, 34326862)

Ambry Genetics
Classification: Likely benign for Hereditary cancer-predisposing syndrome. Last evaluated: 2024-08-28. Review status: criteria provided, single submitter. Criteria: Ambry Variant Classification Scheme 2023. Collection method: clinical testing. Allele origin: germline.

St. Jude Molecular Pathology, St. Jude Children's Research Hospital
Classification: Uncertain significance for Familial cancer of breast. Last evaluated: 2024-04-19. Review status: criteria provided, single submitter. Criteria: St. Jude Assertion Criteria 2020. Collection method: clinical testing. Allele origin: germline.
Comment: The ATM c.202A>G (p.Ile68Val) missense change has a maximum subpopulation frequency of 0.006% in gnomAD v2.1.1. The in silico tool REVEL predicts a benign effect on protein function, but to our knowledge this prediction has not been confirmed by functional studies. To our knowledge, this variant has not been reported in individuals with ataxia telangiectasia. In summary, the evidence currently available is insufficient to determine the clinical significance of this variant. It has therefore been classified as of uncertain significance.

Myriad Genetics, Inc.
Classification: Likely benign for Familial cancer of breast. Last evaluated: 2024-04-18. Review status: criteria provided, single submitter. Criteria: Myriad Autosomal Dominant, Autosomal Recessive and X-Linked Classification Criteria (2023). Collection method: clinical testing. Allele origin: unknown.
Comment: This variant is considered likely benign. This variant is strongly associated with less severe personal and family histories of cancer, typical for individuals without pathogenic variants in this gene [PMID: 25085752].

Baylor Genetics
Classification: Uncertain significance for Familial cancer of breast. Last evaluated: 2024-02-12. Review status: criteria provided, single submitter. Criteria: ACMG Guidelines, 2015. Collection method: clinical testing. Allele origin: unknown.

CHEO Genetics Diagnostic Laboratory, Children's Hospital of Eastern Ontario
Classification: Uncertain significance for Breast and/or ovarian cancer. Last evaluated: 2021-09-07. Review status: criteria provided, single submitter. Criteria: ACMG Guidelines, 2015. Collection method: clinical testing. Allele origin: germline.

Fulgent Genetics
Classification: Uncertain significance for Familial cancer of breast; Ataxia-telangiectasia syndrome. Last evaluated: 2017-05-23. Review status: criteria provided, single submitter. Criteria: ACMG Guidelines, 2015. Collection method: clinical testing. Allele origin: unknown.

Women's Health and Genetics/Laboratory Corporation of America, LabCorp
Classification: Uncertain significance. Last evaluated: 2016-09-06. Review status: criteria provided, single submitter. Criteria: LabCorp Variant Classification Summary - May 2015. Collection method: clinical testing. Allele origin: germline.
Comment: Variant summary: The ATM c.202A>G (p.Ile68Val) variant involves the alteration of a conserved nucleotide. Ile68 is not conserved across species and is not located in a known functional domain; 2/3 in silico tools predict a benign outcome for this variant (SNPs&GO not captured due to low reliability index). This variant was found in 3/102164 control chromosomes at a frequency of 0.0000294, which does not exceed the estimated maximal expected allele frequency of a pathogenic ATM variant (0.0010005). The variant was identified in only one cancer patient reported in the literature, however, no clinical or co-segregation data was provided, thus its implication in this patients cancer diagnosis cannot be assessed (Petereit_2013). In addition, multiple clinical diagnostic laboratories classified this variant as uncertain significance. Taken together, this variant is classified as VUS.

Natera, Inc.
Classification: Uncertain significance for Ataxia-telangiectasia. Last evaluated: 2021-04-16. Review status: no assertion criteria provided. Collection method: clinical testing. Allele origin: germline. Not counted in ClinVar's aggregate classification.

Counsyl
Classification: Uncertain significance for Ataxia-telangiectasia syndrome. Last evaluated: 2017-06-02. Review status: no assertion criteria provided. Collection method: clinical testing. Allele origin: unknown. Not counted in ClinVar's aggregate classification.

Department of Pathology and Laboratory Medicine, Sinai Health System
Classification: Uncertain significance for Carcinoma of colon. Review status: no assertion criteria provided. Collection method: clinical testing. Allele origin: unknown. Affected: yes. Study: The Canadian Open Genetics Repository (COGR). Not counted in ClinVar's aggregate classification.
Comment: The ATM p.Ile68Val variant was identified in 1 of 16,852 proband chromosomes (frequency: 0.00006) from an individual with cancer and was present in 1 of 4798 control chromosomes (frequency: 0.0002) from healthy individuals (Petereit 2013, Tavtigian 2009). The variant was identified in dbSNP (rs35389822) as â€šÃ„Ãºwith uncertain significance allele and ClinVar (classified as uncertain significance by Invitae, Ambry Genetics, Counsyl, GeneDx and 2 other submitters; and as likely benign by Color). The variant was not identified in LOVD 3.0. The variant was identified in control databases in 8 of 275,380 chromosomes at a frequency of 0.00003 (Genome Aggregation Database Feb 27, 2017). The variant was observed in the European population in 8 of 125,734 chromosomes (freq: 0.00006), while it was not observed in the African, Other, Latino, Ashkenazi Jewish, East Asian, Finnish or South Asian populations. The p.Ile68 residue is conserved in mammals but not in more distantly related organisms however computational analyses (PolyPhen-2, SIFT, AlignGVGD, BLOSUM, MutationTaster) do not suggest a high likelihood of impact to the protein; this information is not predictive enough to rule out pathogenicity. The variant occurs outside of the splicing consensus sequence and in silico or computational prediction software programs (SpliceSiteFinder, MaxEntScan, NNSPLICE, GeneSplicer) do not predict a difference in splicing. In summary, based on the above information, the clinical significance of this variant cannot be determined with certainty at this time. This variant is classified as a variant of uncertain significance.

Literature cited by the submitters: PubMed 24416720 (cited by 4 submitters); PubMed 28726808 (cited by 3 submitters); PubMed 35047863 (cited by Labcorp Genetics (formerly Invitae), Labcorp); PubMed 19781682 (cited by 3 submitters); PubMed 16832357 (cited by 3 submitters); PubMed 29641532 (cited by Athena Diagnostics and Ambry Genetics); PubMed 22529920 (cited by Athena Diagnostics and Women's Health and Genetics/Laboratory Corporation of America, LabCorp); PubMed 25085752 (cited by Myriad Genetics, Inc.).

NM_000051.4(ATM):c.202A>G (p.Ile68Val)

Gene: ATM (ATM serine/threonine kinase; plus strand). Cytogenetic location: 11q22.3.
Variant type: single nucleotide variant.
Coding change: c.202A>G on transcript NM_000051.4 (MANE Select); coding-DNA position 202, A replaced by G.
Protein change: p.Ile68Val; replaces isoleucine 68 with valine.
Molecular consequence: missense variant.
Genome position (GRCh38, 1-based): chr11:108,229,194, A>G. VCF-style: chr11-108229194-A-G. GRCh37 (hg19) VCF-style: chr11-108099921-A-G.
Other names: p.I68V:ATT>GTT; c.202A>G, p.Ile68Val (NM_001351834.2, NM_001351835.2, NM_001351836.2); short protein forms I68V.
Identifiers: ClinVar variation 127344 (VCV000127344.41), dbSNP rs35389822, ClinGen allele CA286738.